The following is an entry in ClinVar:

NM_000821.7(GGCX):c.1493G>T (p.Arg498Leu)

Gene: GGCX (gamma-glutamyl carboxylase; minus strand). Cytogenetic location: 2p11.2.
Variant type: single nucleotide variant.
Coding change: c.1493G>T on transcript NM_000821.7 (MANE Select); coding-DNA position 1493, G replaced by T.
Protein change: p.Arg498Leu; replaces arginine 498 with leucine.
Molecular consequence: missense variant.
Genome position (GRCh38, 1-based): chr2:85,551,928, C>A on the plus strand (G>T on the coding strand, the complement: GGCX is on the minus strand). VCF-style: chr2-85551928-C-A. GRCh37 (hg19) VCF-style: chr2-85779051-C-A.
Other names: c.1322G>T, p.Arg441Leu (NM_001142269.4); short protein forms R498L, R441L.
Identifiers: ClinVar variation 2175900 (VCV002175900.4), dbSNP rs1460451482, ClinGen allele CA347484974.

ClinVar aggregate classification (germline): Uncertain significance (1 of 4 stars; one submission).

Submission:

Labcorp Genetics (formerly Invitae), Labcorp
Classification: Uncertain significance. Last evaluated: 2022-03-14. Review status: criteria provided, single submitter. Criteria: Invitae Variant Classification Sherloc (09022015). Collection method: clinical testing. Allele origin: germline.
Comment: In summary, the available evidence is currently insufficient to determine the role of this variant in disease. Therefore, it has been classified as a Variant of Uncertain Significance. Algorithms developed to predict the effect of missense changes on protein structure and function (SIFT, PolyPhen-2, Align-GVGD) all suggest that this variant is likely to be tolerated. This variant has not been reported in the literature in individuals affected with GGCX-related conditions. This variant is not present in population databases (gnomAD no frequency). This sequence change replaces arginine, which is basic and polar, with leucine, which is neutral and non-polar, at codon 498 of the GGCX protein (p.Arg498Leu).